The following is an entry in ClinVar:

ClinVar aggregate classification (germline): Likely benign. Review status: criteria provided, multiple submitters, no conflicts (2 of 4 stars). 2 submissions from 2 submitters: Likely benign (2). Last evaluated 2026-01-05.

Conditions:
Birt-Hogg-Dube syndrome 1 (BHD1). Also called: FIBROFOLLICULOMAS WITH TRICHODISCOMAS AND ACROCHORDONS. Identifiers: Orphanet 122, MedGen CN375946, MONDO:0800445, OMIM 135150.
Birt-Hogg-Dube syndrome. Also called: Birt Hogg Dubé syndrome. Identifiers: Orphanet 122, MedGen C0346010, MONDO:0800444.

Allele frequency attached by ClinVar (database versions not stated): gnomAD exomes below 0.00001 and 0.00001; ExAC 0.00001.
gnomAD v4.1: 2 of 1,613,200 alleles (0.00012%); highest among the groups gnomAD compares: Non-Finnish European, 0.00017%; no homozygotes.

Submissions (2):

Labcorp Genetics (formerly Invitae), Labcorp
Classification: Likely benign for Birt-Hogg-Dube syndrome. Last evaluated: 2026-01-05. Review status: criteria provided, single submitter. Criteria: Invitae Variant Classification Sherloc (09022015). Collection method: clinical testing. Allele origin: germline.

Myriad Genetics, Inc.
Classification: Likely benign for Birt-Hogg-Dube syndrome 1. Last evaluated: 2024-10-24. Review status: criteria provided, single submitter. Criteria: Myriad Autosomal Dominant, Autosomal Recessive and X-Linked Classification Criteria (2023). Collection method: clinical testing. Allele origin: unknown.
Comment: This variant is considered likely benign. This variant is intronic and is not expected to impact mRNA splicing.

NM_144997.7(FLCN):c.1300+10C>A

Gene: FLCN (folliculin; minus strand). Cytogenetic location: 17p11.2.
Variant type: single nucleotide variant.
Coding change: c.1300+10C>A on transcript NM_144997.7 (MANE Select); 10 bases into the intron after coding-DNA position 1300, C replaced by A.
Molecular consequence: intron variant.
Genome position (GRCh38, 1-based): chr17:17,216,370, G>T on the plus strand (C>A on the coding strand, the complement: FLCN is on the minus strand). VCF-style: chr17-17216370-G-T. GRCh37 (hg19) VCF-style: chr17-17119684-G-T.
Other names: c.1300+10C>A (NM_001353231.2, NM_001353230.2); c.1354+10C>A (NM_001353229.2).
Identifiers: ClinVar variation 1096247 (VCV001096247.8), dbSNP rs779288100, ClinGen allele CA8416068.